The following is an entry in ClinVar:

NM_001384140.1(PCDH15):c.4308GCC[3] (p.Pro1442_Pro1443del)

Gene: PCDH15 (protocadherin related 15; minus strand). Cytogenetic location: 10q21.1.
Variant type: Microsatellite.
Coding change: c.4308GCC[3] on transcript NM_001384140.1 (MANE Select); three copies in a row of the 3-base unit GCC starting at c.4308; the reference has five copies in a row; two copies, 6 bases deleted.
Protein change: p.Pro1442_Pro1443del.
Molecular consequence: inframe deletion. On other transcripts: inframe indel (1).
Genome position (GRCh38, 1-based): chr10:53,827,438-53,827,443, GGCGGC deleted on the plus strand (GCCGCC on the coding strand, the reverse complement: PCDH15 is on the minus strand); deleting any 6 consecutive bases within chr10:53,827,438-53,827,454 gives the same sequence; the position shown is the placement nearest the transcript's 3' end. VCF-style (leftmost placement, unchanged base first): chr10-53827437-AGGCGGC-A. GRCh37 (hg19) VCF-style: chr10-55587197-AGGCGGC-A.
Other names: c.4323GCC[3], p.Pro1447_Pro1448del (NM_001142763.2, NM_001142771.2); c.4308GCC[3], p.Pro1442_Pro1443del (NM_001142764.2, NM_001142770.3, NM_001142772.2 and 3 more transcripts); c.4095GCC[3], p.Pro1371_Pro1372del (NM_001142765.2); c.4299GCC[3], p.Pro1439_Pro1440del (NM_001142766.2); c.4188GCC[3], p.Pro1402_Pro1403del (NM_001142767.2); c.4242GCC[3], p.Pro1420_Pro1421del (NM_001142768.2, NM_001354404.2); c.4342_4344CCG[3], p.Pro1454_Pro1455del (NM_001142769.4); c.4233GCC[3], p.Pro1417_Pro1418del (NM_001142773.2); and 2 more.
Identifiers: ClinVar variation 1703327 (VCV001703327.7), dbSNP rs559130985, ClinGen allele CA5505367.

ClinVar aggregate classification (germline): Conflicting classifications of pathogenicity. Review status: criteria provided, conflicting classifications (1 of 4 stars). 4 submissions from 4 submitters: Uncertain significance (3); Likely benign (1). Last evaluated 2025-03-12.

Conditions:
PCDH15-related disorder. Also called: PCDH15-related condition; PCDH15-related disorders.

Submissions (4):

PreventionGenetics, part of Exact Sciences
Classification: Uncertain significance for PCDH15-related condition. Last evaluated: 2025-03-12. Review status: criteria provided, single submitter. Criteria: ACMG Guidelines, 2015. Collection method: clinical testing. Allele origin: germline.
Comment: The PCDH15 c.4317_4322del6 variant is predicted to result in an in-frame deletion (p.Pro1442_Pro1443del). This variant has been reported in heterozygous state in absence of second PCDH15 variant in siblings with hearing loss (Table 1, Hutchin et al. 2005. PubMed ID: 16283880). This variant is reported in 0.024% of alleles in individuals of Latino descent in gnomAD. At this time, the clinical significance of this variant is uncertain due to the absence of conclusive functional and genetic evidence.

Blueprint Genetics
Classification: Uncertain significance. Last evaluated: 2024-08-12. Review status: criteria provided, single submitter. Criteria: ACMG Guidelines, 2015. Collection method: clinical testing. Allele origin: germline.

GeneDx
Classification: Likely benign. Last evaluated: 2024-03-13. Review status: criteria provided, single submitter. Criteria: GeneDx Variant Classification Process June 2021. Collection method: clinical testing. Allele origin: germline.
Comment: See Variant Classification Assertion Criteria.

Labcorp Genetics (formerly Invitae), Labcorp
Classification: Uncertain significance. Last evaluated: 2022-07-19. Review status: criteria provided, single submitter. Criteria: Invitae Variant Classification Sherloc (09022015). Collection method: clinical testing. Allele origin: germline.
Comment: This variant, c.4317_4322del, results in the deletion of 2 amino acid(s) of the PCDH15 protein (p.Pro1442_Pro1443del), but otherwise preserves the integrity of the reading frame. The frequency data for this variant in the population databases is considered unreliable, as metrics indicate poor data quality at this position in the gnomAD database. This variant has been observed in individual(s) with deafness (PMID: 16283880). This variant is also known as 4323‚Äì4328del (Pro1441_Pro1442del). Experimental studies and prediction algorithms are not available or were not evaluated, and the functional significance of this variant is currently unknown. In summary, the available evidence is currently insufficient to determine the role of this variant in disease. Therefore, it has been classified as a Variant of Uncertain Significance.

Literature cited by the submitters: PubMed 16283880 (cited by Labcorp Genetics (formerly Invitae), Labcorp).